The following is an entry in ClinVar:

NM_002474.3(MYH11):c.4975A>G (p.Arg1659Gly)

Genes: MYH11 (myosin heavy chain 11; minus strand), NDE1 (nudE neurodevelopment protein 1; plus strand). Cytogenetic location: 16p13.11.
Variant type: single nucleotide variant.
Coding change: c.4975A>G on transcript NM_002474.3 (MANE Select); coding-DNA position 4975, A replaced by G.
Protein change: p.Arg1659Gly; replaces arginine 1659 with glycine.
Molecular consequence: missense variant. On other transcripts: intron variant (2).
Genome position (GRCh38, 1-based): chr16:15,719,692, T>C on the plus strand (A>G on the coding strand, the complement: MYH11 is on the minus strand). VCF-style: chr16-15719692-T-C. GRCh37 (hg19) VCF-style: chr16-15813549-T-C.
Other names: c.4996A>G, p.Arg1666Gly (NM_001040113.2, NM_001040114.2); c.4975A>G, p.Arg1659Gly (NM_022844.3); c.948-4499T>C (NM_001143979.2, NM_017668.3); short protein forms R1659G, R1666G.
Identifiers: ClinVar variation 1332105 (VCV001332105.3), dbSNP rs2151204765, ClinGen allele CA394851887.

ClinVar aggregate classification (germline): Uncertain significance (1 of 4 stars; one submission).

Conditions:
Familial thoracic aortic aneurysm and aortic dissection (TAAD). Also called: Thoracic aortic aneurysms and dissections. Identifiers: Orphanet 91387, MedGen C4707243, MONDO:0019625.

Submission:

Color Diagnostics, LLC DBA Color Health
Classification: Uncertain significance for Familial thoracic aortic aneurysm and aortic dissection. Last evaluated: 2024-03-07. Review status: criteria provided, single submitter. Criteria: ACMG Guidelines, 2015. Collection method: clinical testing. Allele origin: germline.
Comment: This missense variant replaces arginine with glycine at codon 1666 of the MYH11 protein. Computational prediction suggests that this variant may have deleterious impact on protein structure and function (internally defined REVEL score threshold >= 0.7, PMID: 27666373). To our knowledge, functional studies have not been reported for this variant. This variant has not been reported in individuals affected with cardiovascular disorders in the literature. This variant has not been identified in the general population by the Genome Aggregation Database (gnomAD). The available evidence is insufficient to determine the role of this variant in disease conclusively. Therefore, this variant is classified as a Variant of Uncertain Significance.